The following is an entry in ClinVar:

NM_015322.5(FEM1B):c.234C>T (p.Thr78=)

Gene: FEM1B (fem-1 homolog B; plus strand). Cytogenetic location: 15q23.
Variant type: single nucleotide variant.
Coding change: c.234C>T on transcript NM_015322.5 (MANE Select); coding-DNA position 234, C replaced by T.
Protein change: p.Thr78=; no amino-acid change (threonine 78 retained).
Molecular consequence: synonymous variant.
Genome position (GRCh38, 1-based): chr15:68,278,651, C>T. VCF-style: chr15-68278651-C-T. GRCh37 (hg19) VCF-style: chr15-68570989-C-T.
Identifiers: ClinVar variation 5040955 (VCV005040955.1).

ClinVar aggregate classification (germline): Likely benign (1 of 4 stars; one submission).

gnomAD v4.1: 401 of 1,613,970 alleles (0.025%); highest among the groups gnomAD compares: South Asian, 0.4%; 5 homozygotes.

Submission:

CeGaT Center for Human Genetics Tuebingen
Classification: Likely benign. Last evaluated: 2026-09-01. Review status: criteria provided, single submitter. Criteria: CeGaT Center For Human Genetics Tuebingen Variant Classification Criteria Version 2. Collection method: clinical testing. Allele origin: germline. Affected: yes. Observed: 1 variant allele.
Comment: FEM1B: BP4, BP7